The following is an entry in ClinVar:

NM_013275.6(ANKRD11):c.4579G>A (p.Asp1527Asn)

Gene: ANKRD11 (ankyrin repeat domain 11; minus strand). Cytogenetic location: 16q24.3.
Variant type: single nucleotide variant.
Coding change: c.4579G>A on transcript NM_013275.6 (MANE Select); coding-DNA position 4579, G replaced by A.
Protein change: p.Asp1527Asn; replaces aspartic acid 1527 with asparagine.
Molecular consequence: missense variant.
Genome position (GRCh38, 1-based): chr16:89,281,963, C>T on the plus strand (G>A on the coding strand, the complement: ANKRD11 is on the minus strand). VCF-style: chr16-89281963-C-T. GRCh37 (hg19) VCF-style: chr16-89348371-C-T.
Other names: c.4579G>A, p.Asp1527Asn (NM_001256182.2, NM_001256183.2); short protein forms D1527N.
Identifiers: ClinVar variation 1254689 (VCV001254689.7), dbSNP rs777979146, ClinGen allele CA8242078.

ClinVar aggregate classification (germline): Conflicting classifications of pathogenicity. Review status: criteria provided, conflicting classifications (1 of 4 stars). 2 submissions from 2 submitters: Uncertain significance (1); Likely benign (1). Last evaluated 2023-05-15.

Conditions:
KBG syndrome (KBGS). Also called: ANKRD11-Related KBG Syndrome. Identifiers: Orphanet 2332, MedGen C0220687, MONDO:0007846, OMIM 148050.

Allele frequency attached by ClinVar (database versions not stated): ExAC 0.00001; gnomAD exomes 0.00001; gnomAD 0.00002 and 0.00003.
gnomAD v4.1: 10 of 1,612,644 alleles (0.00062%); highest among the groups gnomAD compares: Admixed American, 0.0033%; no homozygotes.

Submissions (2):

Labcorp Genetics (formerly Invitae), Labcorp
Classification: Uncertain significance for KBG syndrome. Last evaluated: 2023-05-15. Review status: criteria provided, single submitter. Criteria: Invitae Variant Classification Sherloc (09022015). Collection method: clinical testing. Allele origin: germline.
Comment: In summary, the available evidence is currently insufficient to determine the role of this variant in disease. Therefore, it has been classified as a Variant of Uncertain Significance. Advanced modeling of protein sequence and biophysical properties (such as structural, functional, and spatial information, amino acid conservation, physicochemical variation, residue mobility, and thermodynamic stability) performed at Invitae indicates that this missense variant is not expected to disrupt ANKRD11 protein function. ClinVar contains an entry for this variant (Variation ID: 1254689). This variant has not been reported in the literature in individuals affected with ANKRD11-related conditions. This variant is present in population databases (rs777979146, gnomAD 0.006%). This sequence change replaces aspartic acid, which is acidic and polar, with asparagine, which is neutral and polar, at codon 1527 of the ANKRD11 protein (p.Asp1527Asn).

GeneDx
Classification: Likely benign. Last evaluated: 2021-02-12. Review status: criteria provided, single submitter. Criteria: GeneDx Variant Classification Process June 2021. Collection method: clinical testing. Allele origin: germline. Affected: yes.